The following is an entry in ClinVar:

NM_138694.4(PKHD1):c.1492del (p.Gln498fs)

Gene: PKHD1 (PKHD1 ciliary IPT domain containing fibrocystin/polyductin; minus strand). Cytogenetic location: 6p12.2.
Variant type: Deletion.
Coding change: c.1492del on transcript NM_138694.4 (MANE Select); coding-DNA position 1492, one base deleted (C; older notation c.1492delC).
Protein change: p.Gln498fs; shifts the reading frame from glutamine 498.
Molecular consequence: frameshift variant.
Genome position (GRCh38, 1-based): chr6:52,058,343, G deleted on the plus strand (C on the coding strand, the reverse complement: PKHD1 is on the minus strand); the first of 3 consecutive G bases (chr6:52,058,343-52,058,345); deleting any one gives the same sequence. VCF-style (leftmost placement, unchanged base first): chr6-52058342-TG-T. GRCh37 (hg19) VCF-style: chr6-51923140-TG-T.
Other names: c.1492del, p.Gln498fs (NM_170724.3); c.1492delC (NM_138694.4); short protein forms Q498fs.
Identifiers: ClinVar variation 2634309 (VCV002634309.8), dbSNP rs2533366370, ClinGen allele CA2695198890.
Genomic context (GRCh38, chr6:52,058,342, plus strand): 5'-TTCCAGAGTTCAGCTCCATGGGACTGGAAAGAGACACAGACCTGTACTTCTGGAAGCCTC[TG>T]GGCTCGGACTCGGATCTGGTGCTTCTCCCGTAGGTAAGTGGTGACCACATCAGGATTCAG-3'

ClinVar aggregate classification (germline): Pathogenic/Likely pathogenic. Review status: criteria provided, multiple submitters, no conflicts (2 of 4 stars). 5 submissions from 5 submitters: Pathogenic (3); Likely pathogenic (2). Last evaluated 2025-06-23.

Conditions:
Autosomal recessive polycystic kidney disease (ARPKD). Also called: AR polycystic kidney disease. Identifiers: Orphanet 731, Orphanet 8378, MedGen C0085548, MeSH D017044, MONDO:0009889.
Polycystic kidney disease 4 (PKD4). Also called: POLYCYSTIC KIDNEY AND HEPATIC DISEASE 1; POLYCYSTIC KIDNEY DISEASE, INFANTILE, TYPE I; PKD3; Autosomal Recessive Polycystic Kidney Disease – PKHD1; POLYCYSTIC KIDNEY DISEASE 4 WITH OR WITHOUT POLYCYSTIC LIVER DISEASE. Identifiers: MedGen C4540575, MONDO:0033004, OMIM 263200.
PKHD1-related disorder. Also called: PKHD1-related condition.

Submissions (5):

Women's Health and Genetics/Laboratory Corporation of America, LabCorp
Classification: Pathogenic for Autosomal recessive polycystic kidney disease. Last evaluated: 2025-06-23. Review status: criteria provided, single submitter. Criteria: LabCorp Variant Classification Summary - May 2015. Collection method: clinical testing. Allele origin: germline.
Comment: Variant summary: PKHD1 c.1492delC (p.Gln498ArgfsX9) results in a premature termination codon, predicted to cause a truncation of the encoded protein or absence of the protein due to nonsense mediated decay, which are commonly known mechanisms for disease. The variant was absent in 251206 control chromosomes. To our knowledge, no occurrence of c.1492delC in individuals affected with Polycystic Kidney And Hepatic Disease and no experimental evidence demonstrating its impact on protein function have been reported. ClinVar contains an entry for this variant (Variation ID: 2634309). Based on the evidence outlined above, the variant was classified as pathogenic.

Natera, Inc.
Classification: Likely pathogenic for Autosomal recessive polycystic kidney disease. Last evaluated: 2024-04-11. Review status: criteria provided, single submitter. Criteria: Natera Variant Classification Schema (03/2026). Collection method: clinical testing. Allele origin: germline.
Comment: The c.1492delC variant in PKHD1 is a frameshift variant predicted to shift the reading frame beginning at codon 498 and leads to a stop codon 9 codons downstream. This variant is expected to result in nonsense mediated decay, truncation, or a dysfunctional protein product. This variant is rare in the general population with a frequency below the threshold expected for the associated phenotype(s). Given the available evidence, this variant is classified as Likely Pathogenic.

Baylor Genetics
Classification: Likely pathogenic for Polycystic kidney disease 4. Last evaluated: 2023-11-08. Review status: criteria provided, single submitter. Criteria: ACMG Guidelines, 2015. Collection method: clinical testing. Allele origin: unknown.

Labcorp Genetics (formerly Invitae), Labcorp
Classification: Pathogenic for Autosomal recessive polycystic kidney disease. Last evaluated: 2023-01-12. Review status: criteria provided, single submitter. Criteria: Invitae Variant Classification Sherloc (09022015). Collection method: clinical testing. Allele origin: germline.
Comment: For these reasons, this variant has been classified as Pathogenic. This variant has not been reported in the literature in individuals affected with PKHD1-related conditions. This sequence change creates a premature translational stop signal (p.Gln498Argfs*9) in the PKHD1 gene. It is expected to result in an absent or disrupted protein product. Loss-of-function variants in PKHD1 are known to be pathogenic (PMID: 19940839). This variant is not present in population databases (gnomAD no frequency).

PreventionGenetics, part of Exact Sciences
Classification: Pathogenic for PKHD1-related condition. Last evaluated: 2022-11-28. Review status: criteria provided, single submitter. Criteria: ACMG Guidelines, 2015. Collection method: clinical testing. Allele origin: germline.
Comment: The PKHD1 c.1492delC variant is predicted to result in a frameshift and premature protein termination (p.Gln498Argfs*9). To our knowledge, this variant has not been reported in the literature or in a large population database, indicating this variant is rare. Frameshift variants in PKHD1 are expected to be pathogenic, and therefore this variant is interpreted as pathogenic.

Literature cited by the submitters: PubMed 19940839 (cited by Labcorp Genetics (formerly Invitae), Labcorp).